The following is an entry in ClinVar:

NM_017617.5(NOTCH1):c.4717A>G (p.Thr1573Ala)

Gene: NOTCH1 (notch receptor 1; minus strand). Cytogenetic location: 9q34.3.
Variant type: single nucleotide variant.
Coding change: c.4717A>G on transcript NM_017617.5 (MANE Select); coding-DNA position 4717, A replaced by G.
Protein change: p.Thr1573Ala; replaces threonine 1573 with alanine.
Molecular consequence: missense variant.
Genome position (GRCh38, 1-based): chr9:136,504,974, T>C on the plus strand (A>G on the coding strand, the complement: NOTCH1 is on the minus strand). VCF-style: chr9-136504974-T-C. GRCh37 (hg19) VCF-style: chr9-139399426-T-C.
Other names: short protein forms T1573A.
Identifiers: ClinVar variation 937680 (VCV000937680.12), dbSNP rs762492041, ClinGen allele CA5340528.

ClinVar aggregate classification (germline): Conflicting classifications of pathogenicity. Review status: criteria provided, conflicting classifications (1 of 4 stars). 4 submissions from 3 submitters: Uncertain significance (3); Benign (1). Last evaluated 2023-11-18.

Conditions:
Adams-Oliver syndrome 5 (AOS5). Identifiers: Orphanet 974, MedGen C4014970, MONDO:0014459, OMIM 616028.
Aortic valve disease 1 (AOVD1). Identifiers: MedGen C3887892, MONDO:0024523, OMIM 109730.

Allele frequency attached by ClinVar (database versions not stated): gnomAD exomes below 0.00001 and 0.00005; TOPMed below 0.00001; gnomAD 0.00001 and 0.00002; ExAC 0.00002.
gnomAD v4.1: 34 of 1,588,146 alleles (0.0021%); highest among the groups gnomAD compares: East Asian, 0.078%; 1 homozygote.

Submissions (4):

Labcorp Genetics (formerly Invitae), Labcorp
Classification: Benign for Adams-Oliver syndrome 5. Last evaluated: 2023-11-18. Review status: criteria provided, single submitter. Criteria: Invitae Variant Classification Sherloc (09022015). Collection method: clinical testing. Allele origin: germline.

Genome-Nilou Lab
Classification: Uncertain significance for Adams-Oliver syndrome 5. Last evaluated: 2022-03-15. Review status: criteria provided, single submitter. Criteria: ACMG Guidelines, 2015. Collection method: clinical testing. Allele origin: germline. Affected: no.

Genome-Nilou Lab
Classification: Uncertain significance for Aortic valve disease 1. Last evaluated: 2022-03-15. Review status: criteria provided, single submitter. Criteria: ACMG Guidelines, 2015. Collection method: clinical testing. Allele origin: germline. Affected: no.

GeneDx
Classification: Uncertain significance. Last evaluated: 2019-06-06. Review status: criteria provided, single submitter. Criteria: GeneDx Variant Classification Process June 2021. Collection method: clinical testing. Allele origin: germline. Affected: yes.
Comment: Has not been previously published as pathogenic or benign to our knowledge; Not observed at a significant frequency in large population cohorts (Lek et al., 2016); In silico analysis, which includes protein predictors and evolutionary conservation, supports that this variant does not alter protein structure/function